The following is an entry in ClinVar:

NM_001171876.2(MCF2):c.1372-3C>T

Gene: MCF2 (MCF.2 cell line derived transforming sequence; minus strand). Cytogenetic location: Xq27.1.
Variant type: single nucleotide variant.
Coding change: c.1372-3C>T on transcript NM_001171876.2 (MANE Select); 3 bases into the intron before coding-DNA position 1372, C replaced by T.
Molecular consequence: intron variant.
Genome position (GRCh38, 1-based): chrX:139,615,055, G>A on the plus strand (C>T on the coding strand, the complement: MCF2 is on the minus strand). VCF-style: chrX-139615055-G-A. GRCh37 (hg19) VCF-style: chrX-138697214-G-A.
Other names: c.1372-3C>T (NM_001099855.2); c.1075-3C>T (NM_001171877.2); c.1192-3C>T (NM_001171878.2, NM_005369.6, NM_001171879.2).
Identifiers: ClinVar variation 2661531 (VCV002661531.24), dbSNP rs375604361, ClinGen allele CA10530272.

ClinVar aggregate classification (germline): Likely benign (1 of 4 stars; one submission).

Allele frequency attached by ClinVar (database versions not stated): gnomAD exomes 0.00001; ExAC 0.00006; gnomAD 0.00016; TOPMed 0.00023; ESP Exome Variant Server 0.00028.
gnomAD v4.1: 35 of 1,186,276 alleles (0.003%); highest among the groups gnomAD compares: African/African-American, 0.039%; no homozygotes.

Submission:

CeGaT Center for Human Genetics Tuebingen
Classification: Likely benign. Last evaluated: 2022-04-01. Review status: criteria provided, single submitter. Criteria: CeGaT Center For Human Genetics Tuebingen Variant Classification Criteria Version 2. Collection method: clinical testing. Allele origin: germline. Affected: yes. Observed: 1 variant allele.
Comment: MCF2: BP4